The following is an entry in ClinVar:

ClinVar aggregate classification (germline): Uncertain significance (1 of 4 stars; one submission).

Conditions:
Short-rib thoracic dysplasia 11 with or without polydactyly (SRTD11). Also called: SHORT-RIB THORACIC DYSPLASIA 11 WITHOUT POLYDACTYLY. Identifiers: Orphanet 474, Orphanet 93271, MedGen C3810200, MONDO:0014287, OMIM 615633.

Allele frequency attached by ClinVar (database versions not stated): gnomAD exomes 0.00001.
gnomAD v4.1: 3 of 1,477,524 alleles (0.0002%); highest among the groups gnomAD compares: South Asian, 0.0026%; no homozygotes.

Submission:

Labcorp Genetics (formerly Invitae), Labcorp
Classification: Uncertain significance for Short-rib thoracic dysplasia 11 with or without polydactyly. Last evaluated: 2022-07-19. Review status: criteria provided, single submitter. Criteria: Invitae Variant Classification Sherloc (09022015). Collection method: clinical testing. Allele origin: germline.
Comment: This variant has not been reported in the literature in individuals affected with WDR34-related conditions. This variant is not present in population databases (gnomAD no frequency). This sequence change replaces arginine, which is basic and polar, with serine, which is neutral and polar, at codon 53 of the WDR34 protein (p.Arg53Ser). Algorithms developed to predict the effect of missense changes on protein structure and function are either unavailable or do not agree on the potential impact of this missense change (SIFT: "Deleterious"; PolyPhen-2: "Possibly Damaging"; Align-GVGD: "Class C0"). In summary, the available evidence is currently insufficient to determine the role of this variant in disease. Therefore, it has been classified as a Variant of Uncertain Significance.

NM_052844.4(DYNC2I2):c.159G>T (p.Arg53Ser)

Gene: DYNC2I2 (dynein 2 intermediate chain 2; minus strand). Cytogenetic location: 9q34.11.
Variant type: single nucleotide variant.
Coding change: c.159G>T on transcript NM_052844.4 (MANE Select); coding-DNA position 159, G replaced by T.
Protein change: p.Arg53Ser; replaces arginine 53 with serine.
Molecular consequence: missense variant.
Genome position (GRCh38, 1-based): chr9:128,656,568, C>A on the plus strand (G>T on the coding strand, the complement: DYNC2I2 is on the minus strand). VCF-style: chr9-128656568-C-A. GRCh37 (hg19) VCF-style: chr9-131418847-C-A.
Other names: short protein forms R53S.
Identifiers: ClinVar variation 2087137 (VCV002087137.4), dbSNP rs2542474001, ClinGen allele CA375050683.